The following is an entry in ClinVar:

ClinVar aggregate classification (germline): Pathogenic (1 of 4 stars; one submission).

Conditions:
Inborn genetic diseases. Identifiers: MedGen C0950123, MeSH D030342.

Allele frequency attached by ClinVar (database versions not stated): gnomAD exomes below 0.00001.
gnomAD v4.1: 1 of 1,614,012 alleles (0.000062%); highest among the groups gnomAD compares: East Asian, 0.0022%; no homozygotes.

Submission:

Ambry Genetics
Classification: Pathogenic for Inborn genetic diseases. Last evaluated: 2022-06-08. Review status: criteria provided, single submitter. Criteria: Ambry Variant Classification Scheme 2023. Collection method: clinical testing. Allele origin: germline.
Comment: The c.4120C>T (p.Q1374*) alteration, located in exon 28 (coding exon 28) of the LAMA1 gene, consists of a C to T substitution at nucleotide position 4120. This changes the amino acid from a glutamine (Q) to a stop codon at amino acid position 1374. This alteration is expected to result in loss of function by premature protein truncation or nonsense-mediated mRNA decay. This variant was not reported in population-based cohorts in the Genome Aggregation Database (gnomAD). Based on the available evidence, this alteration is classified as pathogenic.

NM_005559.4(LAMA1):c.4120C>T (p.Gln1374Ter)

Gene: LAMA1 (laminin subunit alpha 1; minus strand). Cytogenetic location: 18p11.31.
Variant type: single nucleotide variant.
Coding change: c.4120C>T on transcript NM_005559.4 (MANE Select); coding-DNA position 4120, C replaced by T.
Protein change: p.Gln1374Ter; replaces glutamine 1374 with a stop codon.
Molecular consequence: nonsense.
Genome position (GRCh38, 1-based): chr18:7,008,490, G>A on the plus strand (C>T on the coding strand, the complement: LAMA1 is on the minus strand). VCF-style: chr18-7008490-G-A. GRCh37 (hg19) VCF-style: chr18-7008489-G-A.
Other names: short protein forms Q1374*.
Identifiers: ClinVar variation 2289477 (VCV002289477.2), dbSNP rs2510067452, ClinGen allele CA401847557.
Genomic context (GRCh38, chr18:7,008,490, plus strand): 5'-GTAACAAGCACATTTCAACTCAAACCCAGGAAATAGATTTCGACTAGAGTCTCCGTACCT[G>A]ACATGAGAATCCCACAGTGCCAGGAGGACAGACACAATTCTCTAAAAGAGATGCAACCTC-3'